The following is an entry in ClinVar:

ClinVar aggregate classification (germline): Likely benign. Review status: criteria provided, multiple submitters, no conflicts (2 of 4 stars). 4 submissions from 4 submitters: Likely benign (4). Last evaluated 2025-05-30.

Conditions:
Cardiomyopathy (CMYO). Also called: Cardiomyopathies. Identifiers: Orphanet 167848, MedGen C0878544, MONDO:0004994, HP:0001638. Inheritance: Various modes of inheritance.
Hypertrophic cardiomyopathy. Also called: HYPERTROPHIC MYOCARDIOPATHY. Identifiers: Orphanet 217569, MedGen C0007194, MeSH D002312, MONDO:0005045, HP:0001639.
Cardiovascular phenotype. Identifiers: MedGen CN230736.

Allele frequency attached by ClinVar (database versions not stated): gnomAD exomes 0.00002; ExAC 0.00005.
gnomAD v4.1: 8 of 1,610,550 alleles (0.0005%); highest among the groups gnomAD compares: Admixed American, 0.0083%; no homozygotes.

Submissions (4):

Labcorp Genetics (formerly Invitae), Labcorp
Classification: Likely benign for Hypertrophic cardiomyopathy. Last evaluated: 2025-05-30. Review status: criteria provided, single submitter. Criteria: Invitae Variant Classification Sherloc (09022015). Collection method: clinical testing. Allele origin: germline.

All of Us Research Program, National Institutes of Health
Classification: Likely benign for Cardiomyopathy. Last evaluated: 2023-09-17. Review status: criteria provided, single submitter. Criteria: ACMG Guidelines, 2015. Collection method: clinical testing. Allele origin: germline. Inheritance: Autosomal dominant inheritance. Observed: 3 variant alleles, 3 heterozygotes.
Comment: This study involves interpretation of variants in research participants for the purpose of population health screening. Participant phenotype was not available at the time of variant classification. Additional details can be found in publication PMID: 35346344, PMCID: PMC8962531

Color Diagnostics, LLC DBA Color Health
Classification: Likely benign for Cardiomyopathy. Last evaluated: 2020-10-05. Review status: criteria provided, single submitter. Criteria: ACMG Guidelines, 2015. Collection method: clinical testing. Allele origin: germline.

Ambry Genetics
Classification: Likely benign for Cardiovascular phenotype. Last evaluated: 2019-11-11. Review status: criteria provided, single submitter. Criteria: Ambry Variant Classification Scheme 2023. Collection method: clinical testing. Allele origin: germline.

NM_000257.4(MYH7):c.5529C>T (p.Ser1843=)

Gene: MYH7 (myosin heavy chain 7; minus strand). Cytogenetic location: 14q11.2.
Variant type: single nucleotide variant.
Coding change: c.5529C>T on transcript NM_000257.4 (MANE Select); coding-DNA position 5529, C replaced by T.
Protein change: p.Ser1843=; no amino-acid change (serine 1843 retained).
Molecular consequence: synonymous variant.
Genome position (GRCh38, 1-based): chr14:23,415,025, G>A on the plus strand (C>T on the coding strand, the complement: MYH7 is on the minus strand). VCF-style: chr14-23415025-G-A. GRCh37 (hg19) VCF-style: chr14-23884234-G-A.
Identifiers: ClinVar variation 1172069 (VCV001172069.11), dbSNP rs761162402, ClinGen allele CA047110.
Genomic context (GRCh38, chr14:23,415,025, plus strand): 5'-GGCTCTGCCTGGAGTCACCGCCCGTCGCACCTGGTAGGTGAGCTCCTTGATGCGCCGCTC[G>A]CTCTTCCTCATGCCCTTCACCGACTCTGCGTTGCGCTTCTGCTCGGCCTCCAGCTCATTC-3'
Protein context (NP_000248.2, residues 1833-1853): NAESVKGMRK[Ser1843=]ERRIKELTYQ